The following is an entry in ClinVar:

ClinVar aggregate classification (germline): Pathogenic (1 of 4 stars; one submission).

Submission:

Labcorp Genetics (formerly Invitae), Labcorp
Classification: Pathogenic. Last evaluated: 2019-10-17. Review status: criteria provided, single submitter. Criteria: Invitae Variant Classification Sherloc (09022015). Collection method: clinical testing. Allele origin: germline.
Comment: This sequence change creates a premature translational stop signal (p.Leu514Valfs*39) in the MED17 gene. It is expected to result in an absent or disrupted protein product. For these reasons, this variant has been classified as Pathogenic. Loss-of-function variants in MED17 are known to be pathogenic (PMID: 20950787, 26004231). This variant has not been reported in the literature in individuals with MED17-related conditions. This variant is not present in population databases (ExAC no frequency).

Literature cited by the submitters: PubMed 20950787; PubMed 26004231.

NM_004268.5(MED17):c.1539_1540del (p.Leu514fs)

Gene: MED17 (mediator complex subunit 17; plus strand). Cytogenetic location: 11q21.
Variant type: Microsatellite.
Coding change: c.1539_1540del on transcript NM_004268.5 (MANE Select); coding-DNA positions 1539 to 1540, 2 bases deleted (AC; older notation c.1539_1540delAC).
Protein change: p.Leu514fs; shifts the reading frame from leucine 514.
Molecular consequence: frameshift variant.
Genome position (GRCh38, 1-based): chr11:93,807,590-93,807,591, AC deleted; deleting any 2 consecutive bases within chr11:93,807,588-93,807,591 gives the same sequence; the c. name uses the placement nearest the transcript's 3' end. VCF-style (leftmost placement, unchanged base first): chr11-93807587-TAC-T. GRCh37 (hg19) VCF-style: chr11-93540753-TAC-T.
Other names: short protein forms L514fs.
Identifiers: ClinVar variation 939654 (VCV000939654.7), dbSNP rs1944040055, ClinGen allele CA1992135805.
Genomic context (GRCh38, chr11:93,807,587, plus strand): 5'-ACTGCAATTGAATATTGGAGTTGAGCAGATTCGAGTTGTACATAGAGATGGAAGAGTAAT[TAC>T]ACTGTCTTATCAGGAGCAGGAGCTACAGGATTTTCTTCTGTCTCAGGTAACAGTTGCAGA-3'